The following is an entry in ClinVar:

NM_000494.4(COL17A1):c.*64G>C

Gene: COL17A1 (collagen type XVII alpha 1 chain; minus strand). Cytogenetic location: 10q25.1.
Variant type: single nucleotide variant.
Coding change: c.*64G>C on transcript NM_000494.4 (MANE Select); 64 bases downstream of the stop codon, G replaced by C.
Molecular consequence: 3 prime UTR variant.
Genome position (GRCh38, 1-based): chr10:104,032,171, C>G on the plus strand (G>C on the coding strand, the complement: COL17A1 is on the minus strand). VCF-style: chr10-104032171-C-G. GRCh37 (hg19) VCF-style: chr10-105791929-C-G.
Other names: c.*64G>C (LRG_1249t1).
Identifiers: ClinVar variation 298678 (VCV000298678.9), dbSNP rs805687, ClinGen allele CA10627987.
Genomic context (GRCh38, chr10:104,032,171, plus strand): 5'-TAGGTTGGCTGTGCTGTCTCAGTAGGACATTGACAGACTCCAGCTTTCACCCTCTGGAGA[C>G]CTTGGACCTAAGTGCCACATGCATTATGAGACCTGGTCCAGGAGCTGTCCTGCCATGGCT-3'

ClinVar aggregate classification (germline): Benign. Review status: criteria provided, multiple submitters, no conflicts (2 of 4 stars). 3 submissions from 3 submitters: Benign (3). Last evaluated 2018-11-10.

Conditions:
Junctional epidermolysis bullosa, non-Herlitz type. Also called: EPIDERMOLYSIS BULLOSA JUNCTIONALIS, DISENTIS TYPE; EPIDERMOLYSIS BULLOSA JUNCTIONALIS, NON-HERLITZ TYPE; EPIDERMOLYSIS BULLOSA JUNCTIONALIS, PROGRESSIVE; EPIDERMOLYSIS BULLOSA JUNCTIONALIS, SEVERE NONLETHAL; Adult junctional epidermolysis bullosa; Epidermolysis bullosa, junctional, non-herlitz type, somatic mosaic revertant. Identifiers: Orphanet 251393, Orphanet 79402, Orphanet 79405, Orphanet 89840, MedGen C0268374, MONDO:0009180, OMIM 226650.

Allele frequency attached by ClinVar (database versions not stated): gnomAD exomes 0.17344; gnomAD 0.22708 and 0.23210; 1000 Genomes Project 0.22883; TOPMed 0.23108; 1000 Genomes Project 30x 0.23329; ESP Exome Variant Server 0.23193.
gnomAD v4.1: 237,622 of 1,320,836 alleles (18%); highest among the groups gnomAD compares: African/African-American, 36%; 23,214 homozygotes.

Submissions (3):

GeneDx
Classification: Benign. Last evaluated: 2018-11-10. Review status: criteria provided, single submitter. Criteria: GeneDx Variant Classification Process June 2021. Collection method: clinical testing. Allele origin: germline. Affected: yes.

Illumina Laboratory Services, Illumina
Classification: Benign for Junctional epidermolysis bullosa, non-Herlitz type. Last evaluated: 2018-01-12. Review status: criteria provided, single submitter. Criteria: ICSL Variant Classification Criteria 13 December 2019. Collection method: clinical testing. Allele origin: germline.
Comment: This variant was observed in the ICSL laboratory as part of a predisposition screen in an ostensibly healthy population. It had not been previously curated by ICSL or reported in the Human Gene Mutation Database (HGMD: prior to June 1st, 2018), and was therefore a candidate for classification through an automated scoring system. Utilizing variant allele frequency, disease prevalence and penetrance estimates, and inheritance mode, an automated score was calculated to assess if this variant is too frequent to cause the disease. Based on the score and internal cut-off values, a variant classified as benign is not then subjected to further curation. The score for this variant resulted in a classification of benign for this disease.

Breakthrough Genomics
Classification: Benign. Review status: criteria provided, single submitter. Criteria: ACMG Guidelines, 2015. Collection method: not provided. Allele origin: germline. Inheritance: Autosomal recessive inheritance. Affected: yes.